The following is an entry in ClinVar:

NM_020822.3(KCNT1):c.2523-3C>T

Gene: KCNT1 (potassium sodium-activated channel subfamily T member 1; plus strand). Cytogenetic location: 9q34.3.
Variant type: single nucleotide variant.
Coding change: c.2523-3C>T on transcript NM_020822.3 (MANE Select); 3 bases into the intron before coding-DNA position 2523, C replaced by T.
Molecular consequence: intron variant.
Genome position (GRCh38, 1-based): chr9:135,778,421, C>T. VCF-style: chr9-135778421-C-T. GRCh37 (hg19) VCF-style: chr9-138670267-C-T.
Other names: c.2388-3C>T (NM_001272003.2).
Identifiers: ClinVar variation 1327389 (VCV001327389.2), dbSNP rs2131548258, ClinGen allele CA2573053138.

ClinVar aggregate classification (germline): Uncertain significance (1 of 4 stars; one submission).

Submission:

GeneDx
Classification: Uncertain significance. Last evaluated: 2021-06-02. Review status: criteria provided, single submitter. Criteria: GeneDx Variant Classification Process June 2021. Collection method: clinical testing. Allele origin: germline. Affected: yes.
Comment: Not observed at significant frequency in large population cohorts (Lek et al., 2016); In-silico analysis, which includes splice predictors and evolutionary conservation, is inconclusive as to whether the variant alters gene splicing. In the absence of RNA/functional studies, the actual effect of this sequence change is unknown.; Has not been previously published as pathogenic or benign to our knowledge; This variant is associated with the following publications: (PMID: 27535533)